The following is an entry in ClinVar:

NM_000492.4(CFTR):c.-602A>T

Genes: CFTR (CF transmembrane conductance regulator; plus strand), LOC111674463 (CFTR promoter region; plus strand). Cytogenetic location: 7q31.2.
Variant type: single nucleotide variant.
Coding change: c.-602A>T on transcript NM_000492.4 (MANE Select); 602 bases upstream of the start codon, A replaced by T.
Genome position (GRCh38, 1-based): chr7:117,479,493, A>T. VCF-style: chr7-117479493-A-T. GRCh37 (hg19) VCF-style: chr7-117119547-A-T.
Identifiers: ClinVar variation 553817 (VCV000553817.6), dbSNP rs879620559, ClinGen allele CA164948427.

ClinVar aggregate classification (germline): Uncertain significance. Review status: criteria provided, single submitter (1 of 4 stars). 3 submissions from 3 submitters: Uncertain significance (1). 2 of the submissions do not count toward it. Last evaluated 2021-08-31.

Conditions:
Cystic fibrosis (CF). Also called: MUCOVISCIDOSIS. Identifiers: Orphanet 586, MedGen C0010674, MONDO:0009061, OMIM 219700. Disease mechanism: loss of function.
CFTR-related disorder (CFTR-RD). Also called: CFTR-related disorders; CFTR-related condition. Identifiers: MedGen C5924204, MONDO:7770004.

Allele frequency attached by ClinVar (database versions not stated): gnomAD 0.00001; TOPMed 0.00002.

Submissions (3):

Labcorp Genetics (formerly Invitae), Labcorp
Classification: Uncertain significance for Cystic fibrosis. Last evaluated: 2021-08-31. Review status: criteria provided, single submitter. Criteria: Invitae Variant Classification Sherloc (09022015). Collection method: clinical testing. Allele origin: germline.
Comment: This variant occurs in a non-coding region of the CFTR gene. It does not change the encoded amino acid sequence of the CFTR protein. This variant has been observed in individual(s) with clinical features of cystic fibrosis (PMID: 23810505). In at least one individual the data is consistent with the variant being in trans (on the opposite chromosome) from a pathogenic variant. ClinVar contains an entry for this variant (Variation ID: 553817). Experimental studies and prediction algorithms are not available or were not evaluated, and the functional significance of this variant is currently unknown. In summary, the available evidence is currently insufficient to determine the role of this variant in disease. Therefore, it has been classified as a Variant of Uncertain Significance.

Natera, Inc.
Classification: Uncertain significance for CFTR-related disorders. Last evaluated: 2019-09-24. Review status: no assertion criteria provided. Collection method: clinical testing. Allele origin: germline. Not counted in ClinVar's aggregate classification.

Counsyl
Classification: Uncertain significance for Cystic fibrosis. Last evaluated: 2017-09-08. Review status: no assertion criteria provided. Collection method: clinical testing. Allele origin: unknown. Not counted in ClinVar's aggregate classification.

Literature cited by the submitters: PubMed 23810505 (cited by Labcorp Genetics (formerly Invitae), Labcorp and Counsyl).